The following is an entry in ClinVar:

ClinVar aggregate classification (germline): Uncertain significance (1 of 4 stars; one submission).

Conditions:
Hereditary nonpolyposis colorectal neoplasms. Identifiers: MedGen C0009405, MeSH D003123.

Submission:

Labcorp Genetics (formerly Invitae), Labcorp
Classification: Uncertain significance for Hereditary nonpolyposis colorectal neoplasms. Last evaluated: 2016-09-21. Review status: criteria provided, single submitter. Criteria: Invitae Variant Classification Sherloc (09022015). Collection method: clinical testing. Allele origin: germline.
Comment: In summary, this is a novel in-frame deletion with uncertain impact on protein function. It has been classified as a Variant of Uncertain Significance. Experimental studies and prediction algorithms are not available for this variant, and the functional significance of the deleted amino acids is currently unknown. This variant is not present in population databases (ExAC no frequency) and has not been reported in the literature in individuals with a MSH6-related disease. This sequence change deletes 21 nucleotides from exon 10 of the MSH6 mRNA (c.4024_4044delAGGTCAACTGTAGATGCTGAA). This leads to the deletion of 7 amino acid residue(s) in the MSH6 protein (p.Arg1342_Glu1348del) but otherwise preserves the integrity of the reading frame.

NM_000179.3(MSH6):c.4024_4044del (p.Arg1342_Glu1348del)

Gene: MSH6 (mutS homolog 6; plus strand). Cytogenetic location: 2p16.3.
Variant type: Deletion.
Coding change: c.4024_4044del on transcript NM_000179.3 (MANE Select); coding-DNA positions 4024 to 4044, 21 bases deleted (AGGTCAACTGTAGATGCTGAA).
Protein change: p.Arg1342_Glu1348del.
Molecular consequence: inframe deletion.
Genome position (GRCh38, 1-based): chr2:47,806,801-47,806,821, AGGTCAACTGTAGATGCTGAA deleted; deleting any 21 consecutive bases within chr2:47,806,797-47,806,821 gives the same sequence; the c. name uses the placement nearest the transcript's 3' end. VCF-style (leftmost placement, unchanged base first): chr2-47806796-GTGAAAGGTCAACTGTAGATGC-G. GRCh37 (hg19) VCF-style: chr2-48033935-GTGAAAGGTCAACTGTAGATGC-G.
Other names: c.4024_4044delAGGTCAACTGTAGATGCTGAA (NM_000179.2); c.3634_3654del, p.Arg1212_Glu1218del (NM_001281492.2); c.3118_3138del, p.Arg1040_Glu1046del (NM_001281493.2, NM_001281494.2).
Identifiers: ClinVar variation 410515 (VCV000410515.48), dbSNP rs1064792973, ClinGen allele CA16611190.
Genomic context (GRCh38, chr2:47,806,796, plus strand): 5'-GAAAAAACAAAAAAACTTTTTTTTTTTTTTTTTTAATTTTAAGGGAAGTTTGCCTGGCTA[GTGAAAGGTCAACTGTAGATGC>G]TGAAGCTGTCCATAAATTGCTGACTTTGATTAAGGAATTATAGACTGACTACATTGGAAG-3'